The following is an entry in ClinVar:

NM_000744.7(CHRNA4):c.948C>T (p.Phe316=)

Gene: CHRNA4 (cholinergic receptor nicotinic alpha 4 subunit; minus strand). Cytogenetic location: 20q13.33.
Variant type: single nucleotide variant.
Coding change: c.948C>T on transcript NM_000744.7 (MANE Select); coding-DNA position 948, C replaced by T.
Protein change: p.Phe316=; no amino-acid change (phenylalanine 316 retained).
Molecular consequence: synonymous variant. On other transcripts: non-coding transcript variant (1).
Genome position (GRCh38, 1-based): chr20:63,350,463, G>A on the plus strand (C>T on the coding strand, the complement: CHRNA4 is on the minus strand). VCF-style: chr20-63350463-G-A. GRCh37 (hg19) VCF-style: chr20-61981815-G-A.
Other names: c.420C>T, p.Phe140= (NM_001256573.2).
Identifiers: ClinVar variation 98340 (VCV000098340.45), dbSNP rs121912259, ClinGen allele CA150460.

ClinVar aggregate classification (germline): Benign/Likely benign. Review status: criteria provided, multiple submitters, no conflicts (2 of 4 stars). 3 submissions from 3 submitters: Benign (1); Likely benign (1). 1 of the submissions does not count toward it. Last evaluated 2026-01-19.

Conditions:
Familial sleep-related hypermotor epilepsy. Also called: Autosomal Dominant Sleep-Related Hypermotor (Hyperkinetic) Epilepsy. Identifiers: Orphanet 98784, MedGen C3696898, MONDO:0000030.
Tobacco use disorder. Identifiers: MedGen C0040336.

Allele frequency attached by ClinVar (database versions not stated): ExAC 0.00015; gnomAD exomes 0.00022; ESP Exome Variant Server 0.00008; gnomAD 0.00011; TOPMed 0.00011.
gnomAD v4.1: 174 of 1,613,846 alleles (0.011%); highest among the groups gnomAD compares: South Asian, 0.0099%; no homozygotes.

Submissions (3):

Labcorp Genetics (formerly Invitae), Labcorp
Classification: Benign. Last evaluated: 2026-01-19. Review status: criteria provided, single submitter. Criteria: Invitae Variant Classification Sherloc (09022015). Collection method: clinical testing. Allele origin: germline.

CeGaT Center for Human Genetics Tuebingen
Classification: Likely benign. Last evaluated: 2025-05-01. Review status: criteria provided, single submitter. Criteria: CeGaT Center For Human Genetics Tuebingen Variant Classification Criteria Version 2. Collection method: clinical testing. Allele origin: germline. Affected: yes. Observed: 2 variant alleles.
Comment: CHRNA4: BP4, BP7

Psychiatry Genetics Yale University
No classification provided. Review status: no classification provided. Collection method: not provided. Allele origin: somatic. Not counted in ClinVar's aggregate classification.